The following is an entry in ClinVar:

NM_000352.6(ABCC8):c.761C>T (p.Pro254Leu)

Gene: ABCC8 (ATP binding cassette subfamily C member 8; minus strand). Cytogenetic location: 11p15.1.
Variant type: single nucleotide variant.
Coding change: c.761C>T on transcript NM_000352.6 (MANE Select); coding-DNA position 761, C replaced by T.
Protein change: p.Pro254Leu; replaces proline 254 with leucine.
Molecular consequence: missense variant. On other transcripts: non-coding transcript variant (1).
Genome position (GRCh38, 1-based): chr11:17,461,644, G>A on the plus strand (C>T on the coding strand, the complement: ABCC8 is on the minus strand). VCF-style: chr11-17461644-G-A. GRCh37 (hg19) VCF-style: chr11-17483191-G-A.
Other names: c.761C>T, p.Pro254Leu (NM_001287174.3, NM_001351295.2, NM_001351296.2 and 1 more transcripts); short protein forms P254L.
Identifiers: ClinVar variation 3769211 (VCV003769211.2).

ClinVar aggregate classification (germline): Uncertain significance (1 of 4 stars; one submission).

Submission:

Women's Health and Genetics/Laboratory Corporation of America, LabCorp
Classification: Uncertain significance. Last evaluated: 2025-01-07. Review status: criteria provided, single submitter. Criteria: LabCorp Variant Classification Summary - May 2015. Collection method: clinical testing. Allele origin: germline.
Comment: Variant summary: ABCC8 c.761C>T (p.Pro254Leu) results in a non-conservative amino acid change in the encoded protein sequence. Five of five in-silico tools predict a damaging effect of the variant on protein function. The variant was absent in 251482 control chromosomes (gnomAD). The available data on variant occurrences in the general population are insufficient to allow any conclusion about variant significance. c.761C>T has been reported in the literature in at least one individual affected with Familial Hyperinsulinism (De Franco_2020). The report does not provide unequivocal conclusions about association of the variant with Familial Hyperinsulinism. To our knowledge, no experimental evidence demonstrating an impact on protein function has been reported. The following publications have been ascertained in the context of this evaluation (PMID: 32027066, 30395892). No submitters have cited clinical-significance assessments for this variant to ClinVar. Based on the evidence outlined above, the variant was classified as uncertain significance.

Literature cited by the submitters: PubMed 32027066; PubMed 30395892.